The following is an entry in ClinVar:

ClinVar aggregate classification (germline): Pathogenic/Likely pathogenic. Review status: criteria provided, multiple submitters, no conflicts (2 of 4 stars). 6 submissions from 6 submitters: Pathogenic (4); Likely pathogenic (1). 1 of the submissions does not count toward it. Last evaluated 2024-08-15.

Conditions:
Lamb-Shaffer syndrome. Identifiers: Orphanet 313884, Orphanet 313892, Orphanet 530983, MedGen C4225202, MONDO:0014778, OMIM 616803.

Allele frequency attached by ClinVar (database versions not stated): ExAC 0.00001; gnomAD 0.00001; 1000 Genomes Project 30x 0.00016.
gnomAD v4.1: 1 of 1,612,478 alleles (0.000062%); highest among the groups gnomAD compares: African/African-American, 0.0013%; no homozygotes.

Submissions (6):

GeneDx
Classification: Pathogenic. Last evaluated: 2024-08-15. Review status: criteria provided, single submitter. Criteria: GeneDx Variant Classification Process June 2021. Collection method: clinical testing. Allele origin: germline. Affected: yes.
Comment: Nonsense variant predicted to result in protein truncation or nonsense mediated decay in a gene for which loss of function is a known mechanism of disease; Not observed at significant frequency in large population cohorts (gnomAD); This variant is associated with the following publications: (PMID: 36861937, 34015165)

Genetics and Prenatal Diagnosis Center, The First Affiliated Hospital of Zhengzhou University
Classification: Pathogenic for Lamb-Shaffer syndrome. Last evaluated: 2021-05-13. Review status: criteria provided, single submitter. Criteria: ACMG Guidelines, 2015. Collection method: clinical testing. Allele origin: de novo. Affected: yes.

Equipe Genetique des Anomalies du Developpement, Université de Bourgogne
Classification: Likely pathogenic for Lamb-Shaffer syndrome. Last evaluated: 2017-06-29. Review status: criteria provided, single submitter. Criteria: ACMG Guidelines, 2015. Collection method: clinical testing. Allele origin: de novo. Affected: yes. Observed: 1 heterozygote.

Lifecell International Pvt. Ltd
Classification: Pathogenic for Lamb-Shaffer syndrome. Review status: criteria provided, single submitter. Criteria: ACMG Guidelines, 2015. Collection method: clinical testing. Allele origin: germline. Inheritance: Autosomal dominant inheritance. Affected: yes. Observed: 1 heterozygote.
Comment: A Heterozygous Nonsense variant c.637C>T in Exon 5 of the SOX5 gene that results in the amino acid substitution p.Arg213* was identified. The observed is novel in gnomAD exomes and genomes. The severity of the impact of this variant on the protein is high, based on the effect of the protein and REVEL score . Rare Exome Variant Ensemble Learner (REVEL) is an ensembl method for predicting the pathogenicity of missense variants based on a combination of scores from 13 individual tools: MutPred, FATHMM v2.3, VEST 3.0, PolyPhen-2, SIFT, PROVEAN, MutationAssessor, MutationTaster, LRT, GERP++, SiPhy, phyloP, and phastCons. The REVEL score for an individual missense variant can range from 0 to 1, with higher scores reflecting greater likelihood that the variant is disease-causing. ClinVar has also classified this variant as Pathogenic [Variant ID : 503755]. The observed variation has previously been reported for Lamb–Shaffer syndrome by Zawerton, Ash, et al. , 2020. For these reasons this variant has been classified as Pathogenic .

Molecular Genetics Lab, CHRU Brest
Classification: Pathogenic for Lamb-Shaffer syndrome. Review status: criteria provided, single submitter. Criteria: ACMG Guidelines, 2015. Collection method: clinical testing. Allele origin: de novo. Affected: yes.

Institute for Human Genetics, University Hospital Essen
Classification: Pathogenic for Lamb-Shaffer syndrome. Last evaluated: 2019-08-05. Review status: no assertion criteria provided. Collection method: clinical testing. Allele origin: de novo. Inheritance: Autosomal dominant inheritance. Affected: yes. Not counted in ClinVar's aggregate classification.

Literature cited by the submitters: PubMed 31578471 (cited by Lifecell International Pvt. Ltd).

NM_006940.6(SOX5):c.637C>T (p.Arg213Ter)

Gene: SOX5 (SRY-box transcription factor 5; minus strand). Cytogenetic location: 12p12.1.
Variant type: single nucleotide variant.
Coding change: c.637C>T on transcript NM_006940.6 (MANE Select); coding-DNA position 637, C replaced by T.
Protein change: p.Arg213Ter; replaces arginine 213 with a stop codon.
Molecular consequence: nonsense.
Genome position (GRCh38, 1-based): chr12:23,740,971, G>A on the plus strand (C>T on the coding strand, the complement: SOX5 is on the minus strand). VCF-style: chr12-23740971-G-A. GRCh37 (hg19) VCF-style: chr12-23893905-G-A.
Other names: c.598C>T, p.Arg200Ter (NM_001261414.3, NM_152989.5); c.607C>T, p.Arg203Ter (NM_001261415.3); c.532C>T, p.Arg178Ter (NM_001330785.2); short protein forms R200*, R213*, R178*, R203*.
Identifiers: ClinVar variation 503755 (VCV000503755.9), dbSNP rs767241917, ClinGen allele CA6484303.